The following is an entry in ClinVar:

ClinVar aggregate classification (germline): Uncertain significance (1 of 4 stars; one submission).

Conditions:
Deficiency of hydroxymethylglutaryl-CoA lyase (HMGCLD). Also called: HMG-CoA LYASE DEFICIENCY; Defect in leucine metabolism; 3-hydroxy-3-methylglutaric aciduria; HMGCL DEFICIENCY; HYDROXYMETHYLGLUTARIC ACIDURIA. Identifiers: Orphanet 20, MedGen C1533587, MONDO:0009520, OMIM 246450.

Allele frequency attached by ClinVar (database versions not stated): ExAC 0.00001; gnomAD 0.00001; gnomAD exomes 0.00001; TOPMed 0.00001.
gnomAD v4.1: 12 of 1,614,048 alleles (0.00074%); highest among the groups gnomAD compares: Non-Finnish European, 0.001%; no homozygotes.

Submission:

Labcorp Genetics (formerly Invitae), Labcorp
Classification: Uncertain significance for Deficiency of hydroxymethylglutaryl-CoA lyase. Last evaluated: 2025-03-17. Review status: criteria provided, single submitter. Criteria: Invitae Variant Classification Sherloc (09022015). Collection method: clinical testing. Allele origin: germline.
Comment: This sequence change replaces serine, which is neutral and polar, with glycine, which is neutral and non-polar, at codon 254 of the HMGCL protein (p.Ser254Gly). This variant is present in population databases (rs774398630, gnomAD 0.0009%). This variant has not been reported in the literature in individuals affected with HMGCL-related conditions. ClinVar contains an entry for this variant (Variation ID: 1983116). Invitae Evidence Modeling of protein sequence and biophysical properties (such as structural, functional, and spatial information, amino acid conservation, physicochemical variation, residue mobility, and thermodynamic stability) indicates that this missense variant is not expected to disrupt HMGCL protein function with a negative predictive value of 80%. In summary, the available evidence is currently insufficient to determine the role of this variant in disease. Therefore, it has been classified as a Variant of Uncertain Significance.

NM_000191.3(HMGCL):c.760A>G (p.Ser254Gly)

Gene: HMGCL (3-hydroxy-3-methylglutaryl-CoA lyase; minus strand). Cytogenetic location: 1p36.11.
Variant type: single nucleotide variant.
Coding change: c.760A>G on transcript NM_000191.3 (MANE Select); coding-DNA position 760, A replaced by G.
Protein change: p.Ser254Gly; replaces serine 254 with glycine.
Molecular consequence: missense variant.
Genome position (GRCh38, 1-based): chr1:23,804,516, T>C on the plus strand (A>G on the coding strand, the complement: HMGCL is on the minus strand). VCF-style: chr1-23804516-T-C. GRCh37 (hg19) VCF-style: chr1-24131006-T-C.
Other names: c.547A>G, p.Ser183Gly (NM_001166059.2); short protein forms S183G, S254G.
Identifiers: ClinVar variation 1983116 (VCV001983116.4), dbSNP rs774398630, ClinGen allele CA685920.